The following is an entry in ClinVar:

ClinVar aggregate classification (germline): Pathogenic (1 of 4 stars; one submission).

Conditions:
Long QT syndrome 2 (LQT2). Identifiers: Orphanet 101016, Orphanet 768, MedGen C3150943, MONDO:0013367, OMIM 613688.

Submission:

Human Genetics Bochum, Ruhr University Bochum
Classification: Pathogenic for Long QT syndrome 2. Last evaluated: 2026-02-06. Review status: criteria provided, single submitter. Criteria: ACMG Guidelines, 2015. Collection method: clinical testing. Allele origin: germline. Affected: yes.
Comment: ACMG criteria used to clasify this variant: PVS1, PM1_SUP, PM2_SUP

Literature cited by the submitters: PubMed 19034806.

NM_000238.4(KCNH2):c.1956T>G (p.Tyr652Ter)

Gene: KCNH2 (potassium voltage-gated channel subfamily H member 2; minus strand). Cytogenetic location: 7q36.1.
Variant type: single nucleotide variant.
Coding change: c.1956T>G on transcript NM_000238.4 (MANE Select); coding-DNA position 1956, T replaced by G.
Protein change: p.Tyr652Ter; replaces tyrosine 652 with a stop codon.
Molecular consequence: nonsense. On other transcripts: non-coding transcript variant (2).
Genome position (GRCh38, 1-based): chr7:150,951,110, A>C on the plus strand (T>G on the coding strand, the complement: KCNH2 is on the minus strand). VCF-style: chr7-150951110-A-C. GRCh37 (hg19) VCF-style: chr7-150648198-A-C.
Other names: c.936T>G, p.Tyr312Ter (NM_001204798.2, NM_172057.3); c.1668T>G, p.Tyr556Ter (NM_001406753.1, NM_001406756.1); c.1779T>G, p.Tyr593Ter (NM_001406755.1); c.1656T>G, p.Tyr552Ter (NM_001406757.1); c.1956T>G, p.Tyr652Ter (NM_172056.3); short protein forms Y312*, Y552*, Y556*, Y593*, Y652*.
Identifiers: ClinVar variation 4876760 (VCV004876760.1), dbSNP rs1137617.